The following is an entry in ClinVar:

ClinVar aggregate classification (germline): Uncertain significance. Review status: criteria provided, multiple submitters, no conflicts (2 of 4 stars). 2 submissions from 2 submitters: Uncertain significance (2). Last evaluated 2025-10-11.

Conditions:
SIN3A-related disorder. Also called: SIN3A-related condition.

gnomAD v4.1: 9 of 1,611,724 alleles (0.00056%); highest among the groups gnomAD compares: Non-Finnish European, 0.00076%; no homozygotes.

Submissions (2):

PreventionGenetics, part of Exact Sciences
Classification: Uncertain significance for SIN3A-related condition. Last evaluated: 2025-10-11. Review status: criteria provided, single submitter. Criteria: ACMG Guidelines, 2015. Collection method: clinical testing. Allele origin: germline.
Comment: The SIN3A c.1424G>A variant is predicted to result in the amino acid substitution p.Arg475Gln. This variant has been reported in an individual with neurodevelopmental disorder (Supplementary Data 5, Wang et al. 2020. PubMed ID: 33004838). This variant has not been reported in a large population database (gnomAD), indicating this variant is rare. At this time, the clinical significance of this variant is uncertain due to the absence of conclusive functional and genetic evidence.

Labcorp Genetics (formerly Invitae), Labcorp
Classification: Uncertain significance. Last evaluated: 2024-06-03. Review status: criteria provided, single submitter. Criteria: Invitae Variant Classification Sherloc (09022015). Collection method: clinical testing. Allele origin: germline.
Comment: This sequence change replaces arginine, which is basic and polar, with glutamine, which is neutral and polar, at codon 475 of the SIN3A protein (p.Arg475Gln). This variant is not present in population databases (gnomAD no frequency). This missense change has been observed in individual(s) with neurodevelopmental disorder (PMID: 33004838). Advanced modeling of protein sequence and biophysical properties (such as structural, functional, and spatial information, amino acid conservation, physicochemical variation, residue mobility, and thermodynamic stability) performed at Invitae indicates that this missense variant is not expected to disrupt SIN3A protein function with a negative predictive value of 80%. In summary, the available evidence is currently insufficient to determine the role of this variant in disease. Therefore, it has been classified as a Variant of Uncertain Significance.

Literature cited by the submitters: PubMed 33004838 (cited by Labcorp Genetics (formerly Invitae), Labcorp).

NM_001145358.2(SIN3A):c.1424G>A (p.Arg475Gln)

Gene: SIN3A (SIN3 transcription regulator family member A; minus strand). Cytogenetic location: 15q24.2.
Variant type: single nucleotide variant.
Coding change: c.1424G>A on transcript NM_001145358.2 (MANE Select); coding-DNA position 1424, G replaced by A.
Protein change: p.Arg475Gln; replaces arginine 475 with glutamine.
Molecular consequence: missense variant.
Genome position (GRCh38, 1-based): chr15:75,401,954, C>T on the plus strand (G>A on the coding strand, the complement: SIN3A is on the minus strand). VCF-style: chr15-75401954-C-T. GRCh37 (hg19) VCF-style: chr15-75694295-C-T.
Other names: c.1424G>A, p.Arg475Gln (NM_001145357.2, NM_015477.3); c.1424G>A (NM_001145358.1); short protein forms R475Q.
Identifiers: ClinVar variation 3667476 (VCV003667476.3).
Genomic context (GRCh38, chr15:75,401,954, plus strand): 5'-ATCACCTCCTGGTTAAAAATAACAAGACAGCGTAGGAAATTTTCGTAGGCTTCTGCACTC[C>T]GAAGAGCCTTTCGGACCTTATGGAGACAACGGGAAGAAAAACAGTTTTTGTTTTTCTTAA-3'
Protein context (NP_001138830.1, residues 465-485): LFFDKVRKAL[Arg475Gln]SAEAYENFLR